The following is an entry in ClinVar:

ClinVar aggregate classification (germline): Conflicting classifications of pathogenicity. Review status: criteria provided, conflicting classifications (1 of 4 stars). 24 submissions from 20 submitters: Uncertain significance (5); Benign (6); Likely benign (7). 6 of the submissions do not count toward it. Last evaluated 2026-08-01.

Conditions:
Cardiovascular phenotype. Identifiers: MedGen CN230736.
Autosomal recessive limb-girdle muscular dystrophy type 2J (LGMDR10). Also called: Limb-girdle muscular dystrophy, type 2J; MUSCULAR DYSTROPHY, LIMB-GIRDLE, AUTOSOMAL RECESSIVE 10. Identifiers: Orphanet 140922, MedGen C1837342, MONDO:0012127, OMIM 608807.
Dilated cardiomyopathy 1G (CMD1G). Identifiers: Orphanet 154, MedGen C1858763, MONDO:0011400, OMIM 604145.
Cardiomyopathy (CMYO). Also called: Cardiomyopathies. Identifiers: Orphanet 167848, MedGen C0878544, MONDO:0004994, HP:0001638. Inheritance: Various modes of inheritance.
Myopathy, myofibrillar, 9, with early respiratory failure (MFM9). Also called: EDSTROM MYOPATHY; MYOPATHY, PROXIMAL, WITH EARLY RESPIRATORY MUSCLE INVOLVEMENT; Hereditary myopathy with early respiratory failure; Myopathy, distal, with early respiratory failure, autosomal dominant. Identifiers: Orphanet 178464, Orphanet 34521, MedGen C1863599, MONDO:0011362, OMIM 603689.
Early-onset myopathy with fatal cardiomyopathy (CMYO5). Also called: Salih Myopathy; CONGENITAL MYOPATHY 5 WITH CARDIOMYOPATHY. Identifiers: Orphanet 289377, MedGen C2673677, MONDO:0012714, OMIM 611705. Disease mechanism: loss of function.
Tibial muscular dystrophy (TMD). Also called: Udd Distal Myopathy – Tibial Muscular Dystrophy; Tibial muscular dystrophy, tardive; UDD MYOPATHY. Identifiers: Orphanet 609, MedGen C1838244, MONDO:0010870, OMIM 600334.

Allele frequency attached by ClinVar (database versions not stated): ExAC 0.00028; gnomAD 0.00031 and 0.00034; gnomAD exomes 0.00032 and 0.00058; TOPMed 0.00036; ESP Exome Variant Server 0.00059; 1000 Genomes Project 30x 0.00109; 1000 Genomes Project 0.00120.
gnomAD v4.1: 903 of 1,607,032 alleles (0.056%); highest among the groups gnomAD compares: Non-Finnish European, 0.067%; 1 homozygote.

Submissions (24):

CeGaT Center for Human Genetics Tuebingen
Classification: Likely benign. Last evaluated: 2026-08-01. Review status: criteria provided, single submitter. Criteria: CeGaT Center For Human Genetics Tuebingen Variant Classification Criteria Version 2. Collection method: clinical testing. Allele origin: germline. Affected: yes. Observed: 6 variant alleles.
Comment: TTN: BP4, BP7

Greenwood Genetic Center Diagnostic Laboratories, Greenwood Genetic Center
Classification: Uncertain significance. Last evaluated: 2026-04-09. Review status: criteria provided, single submitter. Criteria: ACMG Guidelines, 2015. Collection method: clinical testing. Allele origin: germline.
Comment: BP4

Labcorp Genetics (formerly Invitae), Labcorp
Classification: Benign for Dilated cardiomyopathy 1G; Autosomal recessive limb-girdle muscular dystrophy type 2J. Last evaluated: 2026-02-03. Review status: criteria provided, single submitter. Criteria: Invitae Variant Classification Sherloc (09022015). Collection method: clinical testing. Allele origin: germline.

Mayo Clinic Laboratories, Mayo Clinic
Classification: Likely benign. Last evaluated: 2025-11-11. Review status: criteria provided, single submitter. Criteria: ACMG Guidelines, 2015. Collection method: clinical testing. Allele origin: germline. Observed: 5 variant alleles.
Comment: BP4, BP7

Blueprint Genetics
Classification: Likely benign. Last evaluated: 2024-10-25. Review status: criteria provided, single submitter. Criteria: ACMG Guidelines, 2015. Collection method: clinical testing. Allele origin: germline.

Women's Health and Genetics/Laboratory Corporation of America, LabCorp
Classification: Likely benign. Last evaluated: 2023-07-16. Review status: criteria provided, single submitter. Criteria: LabCorp Variant Classification Summary - May 2015. Collection method: clinical testing. Allele origin: germline.

CHEO Genetics Diagnostic Laboratory, Children's Hospital of Eastern Ontario
Classification: Benign for Cardiomyopathy. Last evaluated: 2021-09-28. Review status: criteria provided, single submitter. Criteria: ACMG Guidelines, 2015. Collection method: clinical testing. Allele origin: germline.

Athena Diagnostics
Classification: Benign. Last evaluated: 2020-10-19. Review status: criteria provided, single submitter. Criteria: Athena Diagnostics criteria. Collection method: clinical testing. Allele origin: unknown.

ARUP Laboratories, Molecular Genetics and Genomics, ARUP Laboratories
Classification: Likely benign. Last evaluated: 2018-10-28. Review status: criteria provided, single submitter. Criteria: ARUP Molecular Germline Variant Investigation Process. Collection method: clinical testing. Allele origin: germline.

Ambry Genetics
Classification: Likely benign for Cardiovascular phenotype. Last evaluated: 2018-07-31. Review status: criteria provided, single submitter. Criteria: Ambry Variant Classification Scheme 2023. Collection method: clinical testing. Allele origin: germline.

Illumina Laboratory Services, Illumina
Classification: Benign for Tibial muscular dystrophy. Last evaluated: 2018-01-13. Review status: criteria provided, single submitter. Criteria: ICSL Variant Classification Criteria 13 December 2019. Collection method: clinical testing. Allele origin: germline.
Comment: This variant was observed in the ICSL laboratory as part of a predisposition screen in an ostensibly healthy population. It had not been previously curated by ICSL or reported in the Human Gene Mutation Database (HGMD: prior to June 1st, 2018), and was therefore a candidate for classification through an automated scoring system. Utilizing variant allele frequency, disease prevalence and penetrance estimates, and inheritance mode, an automated score was calculated to assess if this variant is too frequent to cause the disease. Based on the score and internal cut-off values, a variant classified as benign is not then subjected to further curation. The score for this variant resulted in a classification of benign for this disease.

Illumina Laboratory Services, Illumina
Classification: Uncertain significance for Autosomal recessive limb-girdle muscular dystrophy type 2J. Last evaluated: 2018-01-13. Review status: criteria provided, single submitter. Criteria: ICSL Variant Classification Criteria 13 December 2019. Collection method: clinical testing. Allele origin: germline.

Illumina Laboratory Services, Illumina
Classification: Benign for Myopathy, myofibrillar, 9, with early respiratory failure. Last evaluated: 2018-01-13. Review status: criteria provided, single submitter. Criteria: ICSL Variant Classification Criteria 13 December 2019. Collection method: clinical testing. Allele origin: germline.
Comment: the same text as in the submission from Illumina Laboratory Services, Illumina above.

Illumina Laboratory Services, Illumina
Classification: Uncertain significance for Early-onset myopathy with fatal cardiomyopathy. Last evaluated: 2018-01-13. Review status: criteria provided, single submitter. Criteria: ICSL Variant Classification Criteria 13 December 2019. Collection method: clinical testing. Allele origin: germline.

Illumina Laboratory Services, Illumina
Classification: Uncertain significance for Dilated cardiomyopathy 1G. Last evaluated: 2018-01-13. Review status: criteria provided, single submitter. Criteria: ICSL Variant Classification Criteria 13 December 2019. Collection method: clinical testing. Allele origin: germline.

Eurofins Ntd Llc (ga)
Classification: Uncertain significance. Last evaluated: 2015-07-29. Review status: criteria provided, single submitter. Criteria: EGL Classification Definitions 2015. Collection method: clinical testing. Allele origin: germline. Observed: 3 variant alleles, 3 heterozygotes.

GeneDx
Classification: Benign. Last evaluated: 2015-03-03. Review status: criteria provided, single submitter. Criteria: GeneDx Variant Classification Process June 2021. Collection method: clinical testing. Allele origin: germline. Affected: yes.

Laboratory for Molecular Medicine, Mass General Brigham Personalized Medicine
Classification: Likely benign. Last evaluated: 2012-03-19. Review status: criteria provided, single submitter. Criteria: LMM Criteria. Collection method: clinical testing. Allele origin: germline. Observed: 3 variant alleles.
Comment: Asp23717Asp in exon 275 of TTN: This variant is not expected to have clinical si gnificance because it does not alter an amino acid residue and is not located wi thin the splice consensus sequence. It has been identified in 0.1% (6/6576) of E uropean American chromosomes from a broad population by the NHLBI Exome Sequenci ng Project (dbSNP rs139953862). Asp23717Asp i n exon 275 of TTN (rs139953862; allele frequency = 0.1%, 6/6576) **

Clinical Genetics DNA and cytogenetics Diagnostics Lab, Erasmus MC, Erasmus Medical Center
Classification: Likely benign. Review status: no assertion criteria provided. Collection method: clinical testing. Allele origin: germline. Affected: yes. Study: VKGL Data-share Consensus. Not counted in ClinVar's aggregate classification.

Clinical Genetics, Academic Medical Center
Classification: Benign. Review status: no assertion criteria provided. Collection method: clinical testing. Allele origin: germline. Affected: yes. Study: VKGL Data-share Consensus. Not counted in ClinVar's aggregate classification.

Diagnostic Laboratory, Department of Genetics, University Medical Center Groningen
Classification: Likely benign. Review status: no assertion criteria provided. Collection method: clinical testing. Allele origin: germline. Affected: yes. Study: VKGL Data-share Consensus. Not counted in ClinVar's aggregate classification.

Genome Diagnostics Laboratory, University Medical Center Utrecht
Classification: Likely benign. Review status: no assertion criteria provided. Collection method: clinical testing. Allele origin: germline. Affected: yes. Study: VKGL Data-share Consensus. Not counted in ClinVar's aggregate classification.

Joint Genome Diagnostic Labs from Nijmegen and Maastricht, Radboudumc and MUMC+
Classification: Likely benign. Review status: no assertion criteria provided. Collection method: clinical testing. Allele origin: germline. Affected: yes. Study: VKGL Data-share Consensus. Not counted in ClinVar's aggregate classification.

Laboratory of Diagnostic Genome Analysis, Leiden University Medical Center (LUMC)
Classification: Likely benign. Review status: no assertion criteria provided. Collection method: clinical testing. Allele origin: germline. Affected: yes. Study: VKGL Data-share Consensus. Not counted in ClinVar's aggregate classification.

Literature cited by the submitters: PubMed 41153298 (cited by Mayo Clinic Laboratories, Mayo Clinic).

NM_001267550.2(TTN):c.78855T>C (p.Asp26285=)

Genes: TTN (titin; minus strand), TTN-AS1 (TTN antisense RNA 1; plus strand). Cytogenetic location: 2q31.2.
Variant type: single nucleotide variant.
Coding change: c.78855T>C on transcript NM_001267550.2 (MANE Select); coding-DNA position 78855, T replaced by C.
Protein change: p.Asp26285=; no amino-acid change (aspartic acid 26285 retained).
Molecular consequence: synonymous variant.
Genome position (GRCh38, 1-based): chr2:178,567,277, A>G on the plus strand (T>C on the coding strand, the complement: TTN is on the minus strand). VCF-style: chr2-178567277-A-G. GRCh37 (hg19) VCF-style: chr2-179432004-A-G.
Other names: p.Asp23717=; c.73932T>C, p.Asp24644= (NM_001256850.1); c.51660T>C, p.Asp17220= (NM_003319.4); c.52035T>C, p.Asp17345= (NM_133432.3); c.52236T>C, p.Asp17412= (NM_133437.4); c.78855T>C (NM_001267550.1); c.71151T>C, p.Asp23717= (NM_133378.4).
Identifiers: ClinVar variation 165824 (VCV000165824.81), dbSNP rs139953862, ClinGen allele CA178495.
Genomic context (GRCh38, chr2:178,567,277, plus strand): 5'-AGAGCATTTTTCAGAAGTGACTCCAGTAACCTGGACTGGCCCTTCTGGAGGTCCTGGTCT[A>G]TCTAATACTTTTACATTTACTGGGAATGACTTAGAACCTGCAACATTGGAAGCTCTTAAA-3'
Protein context (NP_001254479.2, residues 26275-26295): KSFPVNVKVL[Asp26285=]RPGPPEGPVQ